The following is an entry in ClinVar:

NM_000268.4(NF2):c.634C>G (p.Gln212Glu)

Gene: NF2 (NF2, moesin-ezrin-radixin like (MERLIN) tumor suppressor; plus strand). Cytogenetic location: 22q12.2.
Variant type: single nucleotide variant.
Coding change: c.634C>G on transcript NM_000268.4 (MANE Select); coding-DNA position 634, C replaced by G.
Protein change: p.Gln212Glu; replaces glutamine 212 with glutamic acid.
Molecular consequence: missense variant. On other transcripts: intron variant (1).
Genome position (GRCh38, 1-based): chr22:29,658,223, C>G. VCF-style: chr22-29658223-C-G. GRCh37 (hg19) VCF-style: chr22-30054212-C-G.
Other names: c.520C>G, p.Gln174Glu (NM_001407053.1, NM_001407056.1); c.511C>G, p.Gln171Glu (NM_001407054.1, NM_001407058.1, NM_001407062.1 and 1 more transcripts); c.508C>G, p.Gln170Glu (NM_001407055.1, NM_181828.3); c.634C>G, p.Gln212Glu (NM_001407057.1, NM_001407059.1, NM_001407060.1 and 4 more transcripts); c.385C>G, p.Gln129Glu (NM_001407063.1, NM_001407064.1, NM_181830.3 and 1 more transcripts); c.100C>G, p.Gln34Glu (NM_001407065.1); c.403C>G, p.Gln135Glu (NM_001407067.1); c.447+15938C>G (NM_181833.3); short protein forms Q129E, Q135E, Q170E, Q171E, Q174E, Q212E, Q34E.
Identifiers: ClinVar variation 3231103 (VCV003231103.1), dbSNP rs2146989887, ClinGen allele CA411143041.

ClinVar aggregate classification (germline): Uncertain significance (1 of 4 stars; one submission).

Conditions:
Hereditary cancer-predisposing syndrome. Also called: Neoplastic Syndromes, Hereditary; Tumor predisposition; Hereditary neoplastic syndrome; Hereditary Cancer Syndrome. Identifiers: Orphanet 140162, MedGen C0027672, MeSH D009386, MONDO:0015356.

Submission:

Ambry Genetics
Classification: Uncertain significance for Hereditary cancer-predisposing syndrome. Last evaluated: 2023-10-13. Review status: criteria provided, single submitter. Criteria: Ambry Variant Classification Scheme 2023. Collection method: clinical testing. Allele origin: germline.
Comment: The p.Q212E variant (also known as c.634C>G), located in coding exon 7 of the NF2 gene, results from a C to G substitution at nucleotide position 634. The glutamine at codon 212 is replaced by glutamic acid, an amino acid with highly similar properties. This amino acid position is conserved. In addition, the in silico prediction for this alteration is inconclusive. Since supporting evidence is limited at this time, the clinical significance of this alteration remains unclear.